The following is an entry in ClinVar:

NM_001122630.2(CDKN1C):c.812_815dup (p.Pro273fs)

Gene: CDKN1C (cyclin dependent kinase inhibitor 1C; minus strand). Cytogenetic location: 11p15.4.
Variant type: Duplication.
Coding change: c.812_815dup on transcript NM_001122630.2 (MANE Select); coding-DNA positions 812 to 815, 4 bases duplicated (CAGC; older notation c.812_815dupCAGC).
Protein change: p.Pro273fs; shifts the reading frame from proline 273.
Molecular consequence: frameshift variant.
Genome position (GRCh38, 1-based): chr11:2,884,107-2,884,110, GCTG duplicated on the plus strand (CAGC on the coding strand, the reverse complement: CDKN1C is on the minus strand). VCF-style (leftmost placement, unchanged base first): chr11-2884106-C-CGCTG. GRCh37 (hg19) VCF-style: chr11-2905336-C-CGCTG.
Other names: c.845_848dup, p.Pro284fs (NM_000076.2, NM_001362474.2); c.812_815dup, p.Pro273fs (NM_001122631.2); c.280_283dup, p.Arg95fs (NM_001362475.2); c.845_848dupCAGC (NM_000076.2); short protein forms P273fs, P284fs, R95fs.
Identifiers: ClinVar variation 2630051 (VCV002630051.1), dbSNP rs2494380120, ClinGen allele CA2695201064.

ClinVar aggregate classification (germline): Likely pathogenic (1 of 4 stars; one submission).

Conditions:
CDKN1C-related disorder. Also called: CDKN1C-related condition.

Submission:

PreventionGenetics, part of Exact Sciences
Classification: Likely pathogenic for CDKN1C-related condition. Last evaluated: 2023-01-04. Review status: criteria provided, single submitter. Criteria: ACMG Guidelines, 2015. Collection method: clinical testing. Allele origin: germline.
Comment: The CDKN1C c.845_848dupCAGC variant is predicted to result in a frameshift and premature protein termination (p.Pro284Serfs*3). To our knowledge, this variant has not been reported in the literature or in a large population database, indicating this variant is rare. Frameshift variants in CDKN1C are expected to be pathogenic. This variant is interpreted as likely pathogenic.